The following is an entry in ClinVar:

NM_003922.4(HERC1):c.5086_5087delinsAC (p.Gly1696Thr)

Gene: HERC1 (HECT and RLD domain containing E3 ubiquitin protein ligase family member 1; minus strand). Cytogenetic location: 15q22.31.
Variant type: Indel.
Coding change: c.5086_5087delinsAC on transcript NM_003922.4 (MANE Select); coding-DNA positions 5086 to 5087, GG replaced by AC.
Protein change: p.Gly1696Thr; replaces glycine 1696 with threonine.
Molecular consequence: missense variant.
Genome position (GRCh38, 1-based): chr15:63,696,158-63,696,159, CC replaced by GT on the plus strand (GG replaced by AC on the coding strand, the reverse complement: HERC1 is on the minus strand). VCF-style: chr15-63696158-CC-GT. GRCh37 (hg19) VCF-style: chr15-63988357-CC-GT.
Other names: short protein forms G1696T.
Identifiers: ClinVar variation 4809383 (VCV004809383.1).
Genomic context (GRCh38, chr15:63,696,158, plus strand): 5'-TGTATATACTGCAAGGTGTCACCTACCTGATAGTGATGCAATCGGCCACTCTCTCCCTTG[CC>GT]TCCTGTGTGTCCAACAGTGCCTAAACCAAAACACCCTGCTAGGAACTGCAGCCTCACAGA-3'
Protein context (NP_003913.3, residues 1686-1706): FGLGTVGHTG[Gly1696Thr]KGESGRLHHY

ClinVar aggregate classification (germline): Uncertain significance (1 of 4 stars; one submission).

Submission:

Labcorp Genetics (formerly Invitae), Labcorp
Classification: Uncertain significance. Last evaluated: 2025-08-04. Review status: criteria provided, single submitter. Criteria: Invitae Variant Classification Sherloc (09022015). Collection method: clinical testing. Allele origin: germline.
Comment: This sequence change replaces glycine, which is neutral and non-polar, with threonine, which is neutral and polar, at codon 1696 of the HERC1 protein (p.Gly1696Thr). The frequency data for this variant in the population databases is considered unreliable, as metrics indicate poor data quality at this position in the gnomAD database. This variant has not been reported in the literature in individuals affected with HERC1-related conditions. An algorithm developed to predict the effect of missense changes on protein structure and function (PolyPhen-2) suggests that this variant is likely to be tolerated. In summary, the available evidence is currently insufficient to determine the role of this variant in disease. Therefore, it has been classified as a Variant of Uncertain Significance.